The following is an entry in ClinVar:

NM_000548.5(TSC2):c.3780_3787del (p.Ala1261fs)

Gene: TSC2 (TSC complex subunit 2; plus strand). Cytogenetic location: 16p13.3.
Variant type: Deletion.
Coding change: c.3780_3787del on transcript NM_000548.5 (MANE Select); coding-DNA positions 3780 to 3787, 8 bases deleted (GGCCAAAC; older notation c.3780_3787delGGCCAAAC).
Protein change: p.Ala1261fs; shifts the reading frame from alanine 1261.
Molecular consequence: frameshift variant.
Genome position (GRCh38, 1-based): chr16:2,081,764-2,081,771, GGCCAAAC deleted; deleting any 8 consecutive bases within chr16:2,081,762-2,081,771 gives the same sequence; the c. name uses the placement nearest the transcript's 3' end. VCF-style (leftmost placement, unchanged base first): chr16-2081761-CACGGCCAA-C. GRCh37 (hg19) VCF-style: chr16-2131762-CACGGCCAA-C.
Other names: c.3648_3655del, p.Ala1217fs (NM_001077183.3, NM_001370404.1); c.3780_3787del, p.Ala1261fs (NM_001114382.3); c.3540_3547del, p.Ala1181fs (NM_001318827.2); c.3504_3511del, p.Ala1169fs (NM_001318829.2); c.3048_3055del, p.Ala1017fs (NM_001318831.2); c.3681_3688del, p.Ala1228fs (NM_001318832.2); c.3651_3658del, p.Ala1218fs (NM_001363528.2, NM_001370405.1, NM_021055.3); short protein forms A1228fs, A1169fs, A1181fs, A1218fs, A1017fs, A1217fs, A1261fs.
Identifiers: ClinVar variation 835710 (VCV000835710.7), dbSNP rs2090169575, ClinGen allele CA916081758.
Genomic context (GRCh38, chr16:2,081,761, plus strand): 5'-GCGCTTCAAGGAGCACCGGGACACAGCCCTGTACAAGTCACTGTCGGTGCCGGCAGCCAG[CACGGCCAA>C]ACCCCCTCCTCTGCCTCGCTCCAACACAGGTGAGTGGCATGGCGGGCCTTGGCACGGGCT-3'

ClinVar aggregate classification (germline): Pathogenic (1 of 4 stars; one submission).

Conditions:
Tuberous sclerosis 2 (TSC2). Identifiers: Orphanet 805, MedGen C1860707, MONDO:0013199, OMIM 613254.

Submission:

Labcorp Genetics (formerly Invitae), Labcorp
Classification: Pathogenic for Tuberous sclerosis 2. Last evaluated: 2019-03-13. Review status: criteria provided, single submitter. Criteria: Invitae Variant Classification Sherloc (09022015). Collection method: clinical testing. Allele origin: germline.
Comment: For these reasons, this variant has been classified as Pathogenic. Loss-of-function variants in TSC2 are known to be pathogenic (PMID: 10205261, 17304050). This variant has not been reported in the literature in individuals with TSC2-related conditions. This variant is not present in population databases (ExAC no frequency). This sequence change creates a premature translational stop signal (p.Ala1261Profs*58) in the TSC2 gene. It is expected to result in an absent or disrupted protein product.

Literature cited by the submitters: PubMed 10205261; PubMed 17304050.